The following is an entry in ClinVar:

ClinVar aggregate classification (germline): Uncertain significance (1 of 4 stars; one submission).

Conditions:
Cardiovascular phenotype. Identifiers: MedGen CN230736.

Submission:

Ambry Genetics
Classification: Uncertain significance for Cardiovascular phenotype. Last evaluated: 2026-06-15. Review status: criteria provided, single submitter. Criteria: Ambry Variant Classification Scheme 2023. Collection method: clinical testing. Allele origin: germline.
Comment: The p.D1742H variant (also known as c.5224G>C), located in coding exon 27 of the SCN10A gene, results from a G to C substitution at nucleotide position 5224. The aspartic acid at codon 1742 is replaced by histidine, an amino acid with similar properties. This amino acid position is conserved. In addition, this alteration is predicted to be deleterious by in silico analysis. Based on the available evidence, the clinical significance of this variant remains unclear.

NM_006514.4(SCN10A):c.5224G>C (p.Asp1742His)

Gene: SCN10A (sodium voltage-gated channel alpha subunit 10; minus strand). Cytogenetic location: 3p22.2.
Variant type: single nucleotide variant.
Coding change: c.5224G>C on transcript NM_006514.4 (MANE Select); coding-DNA position 5224, G replaced by C.
Protein change: p.Asp1742His; replaces aspartic acid 1742 with histidine.
Molecular consequence: missense variant.
Genome position (GRCh38, 1-based): chr3:38,697,996, C>G on the plus strand (G>C on the coding strand, the complement: SCN10A is on the minus strand). VCF-style: chr3-38697996-C-G. GRCh37 (hg19) VCF-style: chr3-38739487-C-G.
Other names: c.5221G>C, p.Asp1741His (NM_001293306.2); c.4930G>C, p.Asp1644His (NM_001293307.2); short protein forms D1742H, D1644H, D1741H.
Identifiers: ClinVar variation 5029072 (VCV005029072.1).
Genomic context (GRCh38, chr3:38,697,996, plus strand): 5'-AAAAGGTAATAAACTGAGTGGCCTCTGGGTCAAACTTCTCCCAGGTCTCATAGAACATGT[C>G]AAAGTCGTCCTCACTCAGGGGCTCAGTGCTCTCCTCCGTGGCCACATTGAAGTTCTCCAG-3'
Protein context (NP_006505.4, residues 1732-1752): STEPLSEDDF[Asp1742His]MFYETWEKFD